The following is an entry in ClinVar:

ClinVar aggregate classification (germline): Benign/Likely benign. Review status: criteria provided, multiple submitters, no conflicts (2 of 4 stars). 2 submissions from 2 submitters: Benign (1); Likely benign (1). Last evaluated 2025-01-30.

Conditions:
Hereditary nonpolyposis colorectal neoplasms. Identifiers: MedGen C0009405, MeSH D003123.
Lynch syndrome 4 (LYNCH4). Also called: Hereditary non-polyposis colorectal cancer, type 4; Colorectal cancer, hereditary nonpolyposis, type 4. Identifiers: Orphanet 144, MedGen C1838333, MONDO:0013699, OMIM 614337. Disease mechanism: loss of function.

Submissions (2):

Myriad Genetics, Inc.
Classification: Benign for Lynch syndrome 4. Last evaluated: 2025-01-30. Review status: criteria provided, single submitter. Criteria: Myriad Autosomal Dominant, Autosomal Recessive and X-Linked Classification Criteria (2023). Collection method: clinical testing. Allele origin: unknown.
Comment: This variant is considered benign. This variant is a silent/synonymous amino acid change and it is not expected to impact splicing.

Labcorp Genetics (formerly Invitae), Labcorp
Classification: Likely benign for Hereditary nonpolyposis colorectal neoplasms. Last evaluated: 2023-04-03. Review status: criteria provided, single submitter. Criteria: Invitae Variant Classification Sherloc (09022015). Collection method: clinical testing. Allele origin: germline.

NM_000535.7(PMS2):c.1599G>A (p.Val533=)

Gene: PMS2 (PMS1 homolog 2, mismatch repair system component; minus strand). Cytogenetic location: 7p22.1.
Variant type: single nucleotide variant.
Coding change: c.1599G>A on transcript NM_000535.7 (MANE Select); coding-DNA position 1599, G replaced by A.
Protein change: p.Val533=; no amino-acid change (valine 533 retained).
Molecular consequence: synonymous variant. On other transcripts: non-coding transcript variant (1), intron variant (1).
Genome position (GRCh38, 1-based): chr7:5,987,166, C>T on the plus strand (G>A on the coding strand, the complement: PMS2 is on the minus strand). VCF-style: chr7-5987166-C-T. GRCh37 (hg19) VCF-style: chr7-6026797-C-T.
Other names: c.1194G>A, p.Val398= (NM_001322009.2, NM_001406887.1, NM_001406888.1 and 17 more transcripts); c.1038G>A, p.Val346= (NM_001322010.2, NM_001406906.1, NM_001406907.1); c.666G>A, p.Val222= (NM_001322011.2, NM_001322012.2); c.1026G>A, p.Val342= (NM_001322013.2, NM_001406909.1); c.1599G>A, p.Val533= (NM_001322014.2, NM_001406871.1, NM_001406872.1); c.1290G>A, p.Val430= (NM_001322015.2, NM_001406875.1, NM_001406877.1 and 5 more transcripts); c.1785G>A, p.Val595= (NM_001406866.1); c.1623G>A, p.Val541= (NM_001406868.1); and 13 more.
Identifiers: ClinVar variation 2851597 (VCV002851597.4), dbSNP rs2128727076, ClinGen allele CA453746617.
Genomic context (GRCh38, chr7:5,987,166, plus strand): 5'-TGAATGGCAGTCCACATCTGAAAAAGAGTCGTCAGTTTTAGGCGCTTTCTCCTGAGAGTC[C>T]ACATGTTCCTGCGAGCCCCTGTCCCCTGGGGAGCTGGCCGCATACTCGCTGCTGCAGTGA-3'
Protein context (NP_000526.2, residues 523-543): SPGDRGSQEH[Val533=]DSQEKAPKTD